The following is an entry in ClinVar:

NM_025103.4(IFT74):c.1367T>G (p.Met456Arg)

Gene: IFT74 (intraflagellar transport 74; plus strand). Cytogenetic location: 9p21.2.
Variant type: single nucleotide variant.
Coding change: c.1367T>G on transcript NM_025103.4 (MANE Select); coding-DNA position 1367, T replaced by G.
Protein change: p.Met456Arg; replaces methionine 456 with arginine.
Molecular consequence: missense variant.
Genome position (GRCh38, 1-based): chr9:27,055,642, T>G. VCF-style: chr9-27055642-T-G. GRCh37 (hg19) VCF-style: chr9-27055640-T-G.
Other names: c.1367T>G (NM_001099222.1, NM_025103.2); c.1367T>G, p.Met456Arg (NM_001099222.3, NM_001099223.3, NM_001349928.2); short protein forms M456R.
Identifiers: ClinVar variation 1371023 (VCV001371023.5), dbSNP rs1820126913, ClinGen allele CA373127954.
Genomic context (GRCh38, chr9:27,055,642, plus strand): 5'-TTATCACCTTAAATTCTTATGTTTCAGACATTCAACGTCTGCAGTTGGATCTGCAGAAAA[T>G]GGAGCTTCTAGAAAGTAAGATGACTGAAGAACAGCATTCTCTAAAAAGCAAAATTAAGCA-3'
Protein context (NP_079379.2, residues 446-466): IQRLQLDLQK[Met456Arg]ELLESKMTEE

ClinVar aggregate classification (germline): Uncertain significance. Review status: criteria provided, multiple submitters, no conflicts (2 of 4 stars). 3 submissions from 3 submitters: Uncertain significance (3). Last evaluated 2026-03-18.

Conditions:
Inborn genetic diseases. Identifiers: MedGen C0950123, MeSH D030342.
IFT74-related disorder. Also called: IFT74-related condition; IFT74-Related Disorders.

Allele frequency attached by ClinVar (database versions not stated): TOPMed below 0.00001.

Submissions (3):

PreventionGenetics, part of Exact Sciences
Classification: Uncertain significance for IFT74-related condition. Last evaluated: 2026-03-18. Review status: criteria provided, single submitter. Criteria: ACMG Guidelines, 2015. Collection method: clinical testing. Allele origin: germline.
Comment: The IFT74 c.1367T>G variant is predicted to result in the amino acid substitution p.Met456Arg. To our knowledge, this variant has not been reported in the literature or in a large population database (gnomAD), indicating this variant is rare. At this time, the clinical significance of this variant is uncertain due to the absence of conclusive functional and genetic evidence.

Ambry Genetics
Classification: Uncertain significance for Inborn genetic diseases. Last evaluated: 2025-08-25. Review status: criteria provided, single submitter. Criteria: Ambry Variant Classification Scheme 2023. Collection method: clinical testing. Allele origin: germline.

Labcorp Genetics (formerly Invitae), Labcorp
Classification: Uncertain significance. Last evaluated: 2022-08-16. Review status: criteria provided, single submitter. Criteria: Invitae Variant Classification Sherloc (09022015). Collection method: clinical testing. Allele origin: germline.
Comment: This sequence change replaces methionine, which is neutral and non-polar, with arginine, which is basic and polar, at codon 456 of the IFT74 protein (p.Met456Arg). This variant is not present in population databases (gnomAD no frequency). This variant has not been reported in the literature in individuals affected with IFT74-related conditions. ClinVar contains an entry for this variant (Variation ID: 1371023). Algorithms developed to predict the effect of missense changes on protein structure and function are either unavailable or do not agree on the potential impact of this missense change (SIFT: "Deleterious"; PolyPhen-2: "Possibly Damaging"; Align-GVGD: "Class C0"). In summary, the available evidence is currently insufficient to determine the role of this variant in disease. Therefore, it has been classified as a Variant of Uncertain Significance.